The following is an entry in ClinVar:

ClinVar aggregate classification (germline): Uncertain significance. Review status: criteria provided, multiple submitters, no conflicts (2 of 4 stars). 2 submissions from 2 submitters: Uncertain significance (2). Last evaluated 2025-06-25.

Conditions:
Malignant hyperthermia, susceptibility to, 1 (MHS1). Also called: Anesthesia related hyperthermia; Malignant hyperpyrexia; Fulminating hyperpyrexia; Pharmacogenic myopathy; RYR1-Related Malignant Hyperthermia Susceptibility; Malignant hyperthermia suceptibility 1. Identifiers: Orphanet 423, MedGen C2930980, MONDO:0007783, OMIM 145600.

Submissions (2):

GeneDx
Classification: Uncertain significance. Last evaluated: 2025-06-25. Review status: criteria provided, single submitter. Criteria: GeneDx Variant Classification Process June 2021. Collection method: clinical testing. Allele origin: germline. Affected: yes.
Comment: Not observed at significant frequency in large population cohorts (gnomAD); In silico analysis supports that this missense variant has a deleterious effect on protein structure/function; Has not been previously published as pathogenic or benign to our knowledge; This variant is associated with the following publications: (PMID: 33767344)

All of Us Research Program, National Institutes of Health
Classification: Uncertain significance for Malignant hyperthermia, susceptibility to, 1. Last evaluated: 2024-03-05. Review status: criteria provided, single submitter. Criteria: ACMG Guidelines, 2015. Collection method: clinical testing. Allele origin: germline. Inheritance: Autosomal dominant inheritance. Observed: 1 variant allele, 1 heterozygote.
Comment: This study involves interpretation of variants in research participants for the purpose of population health screening. Participant phenotype was not available at the time of variant classification. Additional details can be found in publication PMID: 35346344, PMCID: PMC8962531

NM_000540.3(RYR1):c.1643G>A (p.Ser548Asn)

Gene: RYR1 (ryanodine receptor 1; plus strand). Cytogenetic location: 19q13.2.
Variant type: single nucleotide variant.
Coding change: c.1643G>A on transcript NM_000540.3 (MANE Select); coding-DNA position 1643, G replaced by A.
Protein change: p.Ser548Asn; replaces serine 548 with asparagine.
Molecular consequence: missense variant.
Genome position (GRCh38, 1-based): chr19:38,455,517, G>A. VCF-style: chr19-38455517-G-A. GRCh37 (hg19) VCF-style: chr19-38946157-G-A.
Other names: c.1643G>A, p.Ser548Asn (NM_001042723.2); short protein forms S548N.
Identifiers: ClinVar variation 3387651 (VCV003387651.2).